The following is an entry in ClinVar:

ClinVar aggregate classification (germline): Benign (1 of 4 stars; one submission).

Conditions:
Hypomyelination and Congenital Cataract (HLD5). Also called: hypomyelinating leukodystrophy 5. Identifiers: Orphanet 85163, MedGen C1864663, MONDO:0012514, OMIM 610532.

Allele frequency attached by ClinVar (database versions not stated): 1000 Genomes Project 0.03015; 1000 Genomes Project 30x 0.03217; TOPMed 0.05820.

Submission:

Illumina Laboratory Services, Illumina
Classification: Benign for Hypomyelination and Congenital Cataract. Last evaluated: 2018-01-13. Review status: criteria provided, single submitter. Criteria: ICSL Variant Classification Criteria 13 December 2019. Collection method: clinical testing. Allele origin: germline.
Comment: This variant was observed in the ICSL laboratory as part of a predisposition screen in an ostensibly healthy population. It had not been previously curated by ICSL or reported in the Human Gene Mutation Database (HGMD: prior to June 1st, 2018), and was therefore a candidate for classification through an automated scoring system. Utilizing variant allele frequency, disease prevalence and penetrance estimates, and inheritance mode, an automated score was calculated to assess if this variant is too frequent to cause the disease. Based on the score and internal cut-off values, a variant classified as benign is not then subjected to further curation. The score for this variant resulted in a classification of benign for this disease.

NM_032581.4(HYCC1):c.*3266C>T

Gene: HYCC1 (hyccin PI4KA lipid kinase complex subunit 1; minus strand). Cytogenetic location: 7p15.3.
Variant type: single nucleotide variant.
Coding change: c.*3266C>T on transcript NM_032581.4 (MANE Select); 3266 bases downstream of the stop codon, C replaced by T.
Molecular consequence: 3 prime UTR variant.
Genome position (GRCh38, 1-based): chr7:22,942,323, G>A on the plus strand (C>T on the coding strand, the complement: HYCC1 is on the minus strand). VCF-style: chr7-22942323-G-A. GRCh37 (hg19) VCF-style: chr7-22981942-G-A.
Other names: c.*3868C>T (NM_001363466.2); c.*3826C>T (NM_001363467.2).
Identifiers: ClinVar variation 359724 (VCV000359724.5), dbSNP rs75393023, ClinGen allele CA10625755.